The following is an entry in ClinVar:

ClinVar aggregate classification (germline): Uncertain significance (1 of 4 stars; one submission).

Submission:

Labcorp Genetics (formerly Invitae), Labcorp
Classification: Uncertain significance. Last evaluated: 2022-04-06. Review status: criteria provided, single submitter. Criteria: Invitae Variant Classification Sherloc (09022015). Collection method: clinical testing. Allele origin: germline.
Comment: This variant has not been reported in the literature in individuals affected with NNT-related conditions. In summary, the available evidence is currently insufficient to determine the role of this variant in disease. Therefore, it has been classified as a Variant of Uncertain Significance. Algorithms developed to predict the effect of missense changes on protein structure and function are either unavailable or do not agree on the potential impact of this missense change (SIFT: "Deleterious"; PolyPhen-2: "Possibly Damaging"; Align-GVGD: "Class C0"). This variant is not present in population databases (gnomAD no frequency). This sequence change replaces alanine, which is neutral and non-polar, with threonine, which is neutral and polar, at codon 661 of the NNT protein (p.Ala661Thr).

NM_182977.3(NNT):c.1981G>A (p.Ala661Thr)

Gene: NNT (nicotinamide nucleotide transhydrogenase; plus strand). Cytogenetic location: 5p12.
Variant type: single nucleotide variant.
Coding change: c.1981G>A on transcript NM_182977.3 (MANE Select); coding-DNA position 1981, G replaced by A.
Protein change: p.Ala661Thr; replaces alanine 661 with threonine.
Molecular consequence: missense variant.
Genome position (GRCh38, 1-based): chr5:43,653,135, G>A. VCF-style: chr5-43653135-G-A. GRCh37 (hg19) VCF-style: chr5-43653237-G-A.
Other names: c.1588G>A, p.Ala530Thr (NM_001331026.2); c.1981G>A, p.Ala661Thr (NM_012343.4); short protein forms A661T, A530T.
Identifiers: ClinVar variation 1948795 (VCV001948795.5), dbSNP rs2478566050, ClinGen allele CA359661362.